The following is an entry in ClinVar:

NM_004369.4(COL6A3):c.7951A>G (p.Met2651Val)

Gene: COL6A3 (collagen type VI alpha 3 chain; minus strand). Cytogenetic location: 2q37.3.
Variant type: single nucleotide variant.
Coding change: c.7951A>G on transcript NM_004369.4 (MANE Select); coding-DNA position 7951, A replaced by G.
Protein change: p.Met2651Val; replaces methionine 2651 with valine.
Molecular consequence: missense variant.
Genome position (GRCh38, 1-based): chr2:237,340,965, T>C on the plus strand (A>G on the coding strand, the complement: COL6A3 is on the minus strand). VCF-style: chr2-237340965-T-C. GRCh37 (hg19) VCF-style: chr2-238249608-T-C.
Other names: c.6130A>G, p.Met2044Val (NM_057166.5); c.7333A>G, p.Met2445Val (NM_057167.4); short protein forms M2044V, M2445V, M2651V.
Identifiers: ClinVar variation 3685153 (VCV003685153.2).

ClinVar aggregate classification (germline): Uncertain significance (1 of 4 stars; one submission).

Conditions:
Bethlem myopathy 1A. Also called: MYOPATHY, BENIGN CONGENITAL, WITH CONTRACTURES; Bethlem myopathy 1; Bethlem Muscular Dystrophy. Identifiers: Orphanet 610, MedGen CN029274, MONDO:0024530, OMIM 158810.

gnomAD v4.1: 5 of 1,614,066 alleles (0.00031%); highest among the groups gnomAD compares: Non-Finnish European, 0.00042%; no homozygotes.

Submission:

Labcorp Genetics (formerly Invitae), Labcorp
Classification: Uncertain significance for Bethlem myopathy 1A. Last evaluated: 2024-12-22. Review status: criteria provided, single submitter. Criteria: Invitae Variant Classification Sherloc (09022015). Collection method: clinical testing. Allele origin: germline.
Comment: This sequence change replaces methionine, which is neutral and non-polar, with valine, which is neutral and non-polar, at codon 2651 of the COL6A3 protein (p.Met2651Val). This variant is present in population databases (rs753501207, gnomAD 0.0009%). This variant has not been reported in the literature in individuals affected with COL6A3-related conditions. Invitae Evidence Modeling of protein sequence and biophysical properties (such as structural, functional, and spatial information, amino acid conservation, physicochemical variation, residue mobility, and thermodynamic stability) indicates that this missense variant is not expected to disrupt COL6A3 protein function with a negative predictive value of 80%. In summary, the available evidence is currently insufficient to determine the role of this variant in disease. Therefore, it has been classified as a Variant of Uncertain Significance.